The following is an entry in ClinVar:

NM_000169.3(GLA):c.455A>C (p.Tyr152Ser)

Genes: GLA (galactosidase alpha; minus strand), RPL36A-HNRNPH2 (RPL36A-HNRNPH2 readthrough; plus strand). Cytogenetic location: Xq22.1.
Variant type: single nucleotide variant.
Coding change: c.455A>C on transcript NM_000169.3 (MANE Select); coding-DNA position 455, A replaced by C.
Protein change: p.Tyr152Ser; replaces tyrosine 152 with serine.
Molecular consequence: missense variant. On other transcripts: non-coding transcript variant (3), intron variant (2).
Genome position (GRCh38, 1-based): chrX:101,401,724, T>G on the plus strand (A>C on the coding strand, the complement: GLA is on the minus strand). VCF-style: chrX-101401724-T-G. GRCh37 (hg19) VCF-style: chrX-100656712-T-G.
Other names: c.578A>C, p.Tyr193Ser (NM_001406747.1, NM_001406749.1); c.455A>C, p.Tyr152Ser (NM_001406748.1); c.300+6267T>G (NM_001199973.2); c.177+9902T>G (NM_001199974.2); short protein forms Y152S, Y193S.
Identifiers: ClinVar variation 4087376 (VCV004087376.2).

ClinVar aggregate classification (germline): Likely pathogenic (1 of 4 stars; one submission).

Conditions:
Fabry disease. Also called: ALPHA-GALACTOSIDASE A DEFICIENCY; ANDERSON-FABRY DISEASE; CERAMIDE TRIHEXOSIDASE DEFICIENCY; GLA DEFICIENCY; HEREDITARY DYSTOPIC LIPIDOSIS; Angiokeratoma corporis diffusum. Identifiers: Orphanet 324, MedGen C0002986, MONDO:0010526, OMIM 301500, HP:0001071. Disease mechanism: Fabry disease is due to inactivating mutations in the X-linked GLA gene resulting in deficiency of the enzyme Alpha Galactosidase-A., loss of function.

Submission:

Genomenon, Inc
Classification: Likely pathogenic for Fabry disease. Last evaluated: 2026-09-08. Review status: criteria provided, single submitter. Criteria: Genomenon Sequence Variant Interpretation Standards - Updated. Collection method: curation. Allele origin: germline. Affected: yes.
Comment: GLA p.Tyr152Ser (c.455A>C) is a missense variant that changes the amino acid at codon 152 from Tyrosine to Serine. This variant has been observed in at least one proband with clinical features consistent with Fabry disease (PMID:33527381). Functional or patient cell studies have been reported (PMID:33527381). The presence of pathogenic/likely pathogenic missense variant(s) at the same amino acid position indicates that this residue is likely important for protein function. It is absent or not present at a significant frequency in gnomAD. In silico models predict that this variant is possibly or probably damaging. In conclusion, we classify GLA p.Tyr152Ser (c.455A>C) as a likely pathogenic variant.

Literature cited by the submitters: PubMed 33527381.